The following is an entry in ClinVar:

NM_198576.4(AGRN):c.2567G>A (p.Arg856Gln)

Gene: AGRN (agrin; plus strand). Cytogenetic location: 1p36.33.
Variant type: single nucleotide variant.
Coding change: c.2567G>A on transcript NM_198576.4 (MANE Select); coding-DNA position 2567, G replaced by A.
Protein change: p.Arg856Gln; replaces arginine 856 with glutamine.
Molecular consequence: missense variant.
Genome position (GRCh38, 1-based): chr1:1,045,763, G>A. VCF-style: chr1-1045763-G-A. GRCh37 (hg19) VCF-style: chr1-981143-G-A.
Other names: c.2567G>A, p.Arg856Gln (NM_001305275.2); c.2252G>A, p.Arg751Gln (NM_001364727.2); short protein forms R751Q, R856Q.
Identifiers: ClinVar variation 1033269 (VCV001033269.11), dbSNP rs576278814, ClinGen allele CA508705.

ClinVar aggregate classification (germline): Uncertain significance. Review status: criteria provided, multiple submitters, no conflicts (2 of 4 stars). 4 submissions from 4 submitters: Uncertain significance (4). Last evaluated 2025-05-23.

Conditions:
Inborn genetic diseases. Identifiers: MedGen C0950123, MeSH D030342.
Congenital myasthenic syndrome 8. Also called: Myasthenic syndrome, congenital, 8, with pre- and postsynaptic defects; MYASTHENIC SYNDROME, CONGENITAL, DUE TO AGRIN DEFICIENCY. Identifiers: Orphanet 590, MedGen C3808739, MONDO:0014052, OMIM 615120.

Allele frequency attached by ClinVar (database versions not stated): gnomAD 0.00005 and 0.00004; 1000 Genomes Project 0.00020; gnomAD exomes 0.00001; 1000 Genomes Project 30x 0.00016; ExAC 0.00002; TOPMed 0.00006.
gnomAD v4.1: 41 of 1,613,406 alleles (0.0025%); highest among the groups gnomAD compares: Admixed American, 0.012%; no homozygotes.

Submissions (4):

Ambry Genetics
Classification: Uncertain significance for Inborn genetic diseases. Last evaluated: 2025-05-23. Review status: criteria provided, single submitter. Criteria: Ambry Variant Classification Scheme 2023. Collection method: clinical testing. Allele origin: germline.

Labcorp Genetics (formerly Invitae), Labcorp
Classification: Uncertain significance for Congenital myasthenic syndrome 8. Last evaluated: 2022-02-06. Review status: criteria provided, single submitter. Criteria: Invitae Variant Classification Sherloc (09022015). Collection method: clinical testing. Allele origin: germline.
Comment: In summary, the available evidence is currently insufficient to determine the role of this variant in disease. Therefore, it has been classified as a Variant of Uncertain Significance. Algorithms developed to predict the effect of missense changes on protein structure and function are either unavailable or do not agree on the potential impact of this missense change (SIFT: "Deleterious"; PolyPhen-2: "Possibly Damaging"; Align-GVGD: "Class C0"). ClinVar contains an entry for this variant (Variation ID: 1033269). This sequence change replaces arginine, which is basic and polar, with glutamine, which is neutral and polar, at codon 856 of the AGRN protein (p.Arg856Gln). This variant is present in population databases (rs576278814, gnomAD 0.007%). This variant has not been reported in the literature in individuals affected with AGRN-related conditions.

Baylor Genetics
Classification: Uncertain significance for Congenital myasthenic syndrome 8. Last evaluated: 2018-08-14. Review status: criteria provided, single submitter. Criteria: ACMG Guidelines, 2015. Collection method: clinical testing. Allele origin: paternal. Affected: yes.
Comment: This variant was determined to be of uncertain significance according to ACMG Guidelines, 2015 [PMID:25741868].

Breakthrough Genomics
Classification: Uncertain significance. Review status: criteria provided, single submitter. Criteria: ACMG Guidelines, 2015. Collection method: not provided. Allele origin: germline. Inheritance: Autosomal recessive inheritance. Affected: yes.